The following is an entry in ClinVar:

NM_001792.5(CDH2):c.971A>G (p.Asn324Ser)

Gene: CDH2 (cadherin 2; minus strand). Cytogenetic location: 18q12.1.
Variant type: single nucleotide variant.
Coding change: c.971A>G on transcript NM_001792.5 (MANE Select); coding-DNA position 971, A replaced by G.
Protein change: p.Asn324Ser; replaces asparagine 324 with serine.
Molecular consequence: missense variant.
Genome position (GRCh38, 1-based): chr18:28,003,046, T>C on the plus strand (A>G on the coding strand, the complement: CDH2 is on the minus strand). VCF-style: chr18-28003046-T-C. GRCh37 (hg19) VCF-style: chr18-25583010-T-C.
Other names: c.971A>G (NM_001792.3); c.878A>G, p.Asn293Ser (NM_001308176.2); short protein forms N293S, N324S.
Identifiers: ClinVar variation 2413284 (VCV002413284.8), dbSNP rs2012815542, ClinGen allele CA402242766.

ClinVar aggregate classification (germline): Uncertain significance. Review status: criteria provided, multiple submitters, no conflicts (2 of 4 stars). 3 submissions from 3 submitters: Uncertain significance (3). Last evaluated 2025-12-02.

Conditions:
Inborn genetic diseases. Identifiers: MedGen C0950123, MeSH D030342.

Allele frequency attached by ClinVar (database versions not stated): TOPMed below 0.00001; gnomAD exomes 0.00001.
gnomAD v4.1: 18 of 1,614,126 alleles (0.0011%); highest among the groups gnomAD compares: Non-Finnish European, 0.0015%; no homozygotes.

Submissions (3):

Labcorp Genetics (formerly Invitae), Labcorp
Classification: Uncertain significance. Last evaluated: 2025-12-02. Review status: criteria provided, single submitter. Criteria: Invitae Variant Classification Sherloc (09022015). Collection method: clinical testing. Allele origin: germline.
Comment: This sequence change replaces asparagine, which is neutral and polar, with serine, which is neutral and polar, at codon 324 of the CDH2 protein (p.Asn324Ser). This variant is not present in population databases (gnomAD no frequency). This variant has not been reported in the literature in individuals affected with CDH2-related conditions. ClinVar contains an entry for this variant (Variation ID: 2413284). An algorithm developed to predict the effect of missense changes on protein structure and function (PolyPhen-2) suggests that this variant is likely to be tolerated. In summary, the available evidence is currently insufficient to determine the role of this variant in disease. Therefore, it has been classified as a Variant of Uncertain Significance.

Ambry Genetics
Classification: Uncertain significance for Inborn genetic diseases. Last evaluated: 2024-12-28. Review status: criteria provided, single submitter. Criteria: Ambry Variant Classification Scheme 2023. Collection method: clinical testing. Allele origin: germline.
Comment: The p.N324S variant (also known as c.971A>G), located in coding exon 7 of the CDH2 gene, results from an A to G substitution at nucleotide position 971. The asparagine at codon 324 is replaced by serine, an amino acid with highly similar properties. This amino acid position is conserved. In addition, this alteration is predicted to be tolerated by in silico analysis. Based on the available evidence, the clinical significance of this variant remains unclear.

Blueprint Genetics
Classification: Uncertain significance. Last evaluated: 2024-09-03. Review status: criteria provided, single submitter. Criteria: ACMG Guidelines, 2015. Collection method: clinical testing. Allele origin: germline.